The following is an entry in ClinVar:

ClinVar aggregate classification (germline): Pathogenic. Review status: reviewed by expert panel (3 of 4 stars). 5 submissions from 5 submitters: Pathogenic (1). 4 of the submissions do not count toward it. Last evaluated 2016-09-08.

Conditions:
Hereditary cancer-predisposing syndrome. Also called: Tumor predisposition; Hereditary Cancer Syndrome; Neoplastic Syndromes, Hereditary; Hereditary neoplastic syndrome. Identifiers: Orphanet 140162, MedGen C0027672, MeSH D009386, MONDO:0015356.
Hereditary breast ovarian cancer syndrome. Also called: Breast and ovarian cancer; Hereditary breast and ovarian cancer; Hereditary breast and ovarian cancer syndrome; BRCA1- and BRCA2-Associated Hereditary Breast and Ovarian Cancer; Hereditary breast and ovarian cancer syndrome (HBOC); Hereditary breast and/or ovarian cancer syndrome. Identifiers: Orphanet 145, MedGen C0677776, MeSH D061325, MONDO:0003582. Disease mechanism: loss of function.
Breast-ovarian cancer, familial, susceptibility to, 2 (BROVCA2). Also called: BRCA2 Hereditary Breast and Ovarian Cancer. Identifiers: Orphanet 145, MedGen C2675520, MONDO:0012933, OMIM 612555. Disease mechanism: loss of function.

Submissions (5):

Evidence-based Network for the Interpretation of Germline Mutant Alleles (ENIGMA)
Classification: Pathogenic for Breast-ovarian cancer, familial, susceptibility to, 2. Last evaluated: 2016-09-08. Review status: reviewed by expert panel. Criteria: ENIGMA BRCA1/2 Classification Criteria (2015). Collection method: curation. Allele origin: germline.
Comment: Variant allele predicted to encode a truncated non-functional protein.

Ambry Genetics
Classification: Pathogenic for Hereditary cancer-predisposing syndrome. Last evaluated: 2024-09-23. Review status: criteria provided, single submitter. Criteria: Ambry Variant Classification Scheme 2023. Collection method: clinical testing. Allele origin: germline. Not counted in ClinVar's aggregate classification.
Comment: The c.5584_5587delGTGA pathogenic mutation, located in coding exon 10 of the BRCA2 gene, results from a deletion of 4 nucleotides at nucleotide positions 5584 to 5587, causing a translational frameshift with a predicted alternate stop codon (p.V1862Kfs*11). This variant is considered to be rare based on population cohorts in the Genome Aggregation Database (gnomAD). This alteration is expected to result in loss of function by premature protein truncation or nonsense-mediated mRNA decay. As such, this alteration is interpreted as a disease-causing mutation.

Labcorp Genetics (formerly Invitae), Labcorp
Classification: Pathogenic for Hereditary breast ovarian cancer syndrome. Last evaluated: 2023-12-28. Review status: criteria provided, single submitter. Criteria: Invitae Variant Classification Sherloc (09022015). Collection method: clinical testing. Allele origin: germline. Not counted in ClinVar's aggregate classification.
Comment: This sequence change creates a premature translational stop signal (p.Val1862Lysfs*11) in the BRCA2 gene. It is expected to result in an absent or disrupted protein product. Loss-of-function variants in BRCA2 are known to be pathogenic (PMID: 20104584). This variant is not present in population databases (gnomAD no frequency). This premature translational stop signal has been observed in individual(s) with clinical features of BRCA2-related conditions (PMID: 21520333). ClinVar contains an entry for this variant (Variation ID: 91418). For these reasons, this variant has been classified as Pathogenic.

Women's Health and Genetics/Laboratory Corporation of America, LabCorp
Classification: Pathogenic for Hereditary breast ovarian cancer syndrome. Last evaluated: 2021-08-27. Review status: criteria provided, single submitter. Criteria: LabCorp Variant Classification Summary - May 2015. Collection method: clinical testing. Allele origin: germline. Not counted in ClinVar's aggregate classification.
Comment: Variant summary: BRCA2 c.5584_5587delGTGA (p.Val1862LysfsX11) results in a premature termination codon, predicted to cause a truncation of the encoded protein or absence of the protein due to nonsense mediated decay, which are commonly known mechanisms for disease. Truncations downstream of this position have been classified as pathogenic by our laboratory. The variant was absent in 245466 control chromosomes. To our knowledge, no occurrence of c.5584_5587delGTGA in individuals affected with Hereditary Breast And Ovarian Cancer Syndrome and no experimental evidence demonstrating its impact on protein function have been reported. Two clinical diagnostic laboratories have submitted clinical-significance assessments for this variant to ClinVar after 2014 without evidence for independent evaluation. Both laboratories classified the variant as pathogenic. In addition, other truncation variants at this location (e.g. c.5580_5584delAAAAG, c.5582_5583delAA, c.5585_5588delTGAA) have been reported in patients with HBOC (HGMD database). Based on the evidence outlined above, the variant was classified as pathogenic.

Sharing Clinical Reports Project (SCRP)
Classification: Pathogenic for Breast-ovarian cancer, familial 2. Last evaluated: 2012-10-22. Review status: no assertion criteria provided. Collection method: clinical testing. Allele origin: germline. Not counted in ClinVar's aggregate classification.

Literature cited by the submitters: PubMed 20104584 (cited by Labcorp Genetics (formerly Invitae), Labcorp); PubMed 21520333 (cited by Labcorp Genetics (formerly Invitae), Labcorp).

NM_000059.4(BRCA2):c.5584_5587del (p.Val1862fs)

Gene: BRCA2 (BRCA2 DNA repair associated; plus strand). Cytogenetic location: 13q13.1.
Variant type: Deletion.
Coding change: c.5584_5587del on transcript NM_000059.4 (MANE Select); coding-DNA positions 5584 to 5587, 4 bases deleted (GTGA; older notation c.5584_5587delGTGA).
Protein change: p.Val1862fs; shifts the reading frame from valine 1862.
Molecular consequence: frameshift variant.
Genome position (GRCh38, 1-based): chr13:32,339,939-32,339,942, GTGA deleted; deleting any 4 consecutive bases within chr13:32,339,938-32,339,942 gives the same sequence; the c. name uses the placement nearest the transcript's 3' end. VCF-style (leftmost placement, unchanged base first): chr13-32339937-AAGTG-A. GRCh37 (hg19) VCF-style: chr13-32914074-AAGTG-A.
Other names: 5812del4; c.5584_5587delGTGA (NM_000059.3); short protein forms V1862fs.
Identifiers: ClinVar variation 91418 (VCV000091418.14), dbSNP rs398122535, ClinGen allele CA022639.